The following is an entry in ClinVar:

NM_017999.5(RNF31):c.1752G>T (p.Gln584His)

Gene: RNF31 (ring finger protein 31; plus strand). Cytogenetic location: 14q12.
Variant type: single nucleotide variant.
Coding change: c.1752G>T on transcript NM_017999.5 (MANE Select); coding-DNA position 1752, G replaced by T.
Protein change: p.Gln584His; replaces glutamine 584 with histidine.
Molecular consequence: missense variant.
Genome position (GRCh38, 1-based): chr14:24,151,499, G>T. VCF-style: chr14-24151499-G-T. GRCh37 (hg19) VCF-style: chr14-24620708-G-T.
Other names: c.1299G>T, p.Gln433His (NM_001310332.2); c.1752G>T (NM_017999.4); short protein forms Q433H, Q584H.
Identifiers: ClinVar variation 1090055 (VCV001090055.13), dbSNP rs184184005, ClinGen allele CA7125881.

ClinVar aggregate classification (germline): Likely benign. Review status: criteria provided, multiple submitters, no conflicts (2 of 4 stars). 4 submissions from 4 submitters: Likely benign (3). 1 of the submissions does not count toward it. Last evaluated 2026-01-27.

Conditions:
RNF31-related disorder. Also called: RNF31-related condition.

Allele frequency attached by ClinVar (database versions not stated): ESP Exome Variant Server 0.00096; ExAC 0.00114; gnomAD exomes 0.00126; gnomAD 0.00130 and 0.00137; 1000 Genomes Project 0.00140; TOPMed 0.00155; 1000 Genomes Project 30x 0.00172.
gnomAD v4.1: 1,614 of 1,614,222 alleles (0.1%); highest among the groups gnomAD compares: Admixed American, 0.34%; 3 homozygotes.

Submissions (4):

Labcorp Genetics (formerly Invitae), Labcorp
Classification: Likely benign. Last evaluated: 2026-01-27. Review status: criteria provided, single submitter. Criteria: Invitae Variant Classification Sherloc (09022015). Collection method: clinical testing. Allele origin: germline.

Blueprint Genetics
Classification: Likely benign. Last evaluated: 2024-11-06. Review status: criteria provided, single submitter. Criteria: ACMG Guidelines, 2015. Collection method: clinical testing. Allele origin: germline.

Breakthrough Genomics
Classification: Likely benign. Review status: criteria provided, single submitter. Criteria: ACMG Guidelines, 2015. Collection method: not provided. Allele origin: germline. Inheritance: Unknown mechanism. Affected: yes.

PreventionGenetics, part of Exact Sciences
Classification: Likely benign for RNF31-related condition. Last evaluated: 2023-03-04. Review status: no assertion criteria provided. Collection method: clinical testing. Allele origin: germline. Not counted in ClinVar's aggregate classification.
Comment: This variant is classified as likely benign based on ACMG/AMP sequence variant interpretation guidelines (Richards et al. 2015 PMID: 25741868, with internal and published modifications).